The following is an entry in ClinVar:

NM_004320.6(ATP2A1):c.451G>A (p.Val151Met)

Gene: ATP2A1 (ATPase sarcoplasmic/endoplasmic reticulum Ca2+ transporting 1; plus strand). Cytogenetic location: 16p11.2.
Variant type: single nucleotide variant.
Coding change: c.451G>A on transcript NM_004320.6 (MANE Select); coding-DNA position 451, G replaced by A.
Protein change: p.Val151Met; replaces valine 151 with methionine.
Molecular consequence: missense variant.
Genome position (GRCh38, 1-based): chr16:28,882,577, G>A. VCF-style: chr16-28882577-G-A. GRCh37 (hg19) VCF-style: chr16-28893898-G-A.
Other names: c.76G>A, p.Val26Met (NM_001286075.2); c.451G>A, p.Val151Met (NM_173201.5); c.451G>A (NM_173201.3); short protein forms V151M, V26M.
Identifiers: ClinVar variation 1416154 (VCV001416154.7), dbSNP rs748285172, ClinGen allele CA7986645.

ClinVar aggregate classification (germline): Uncertain significance. Review status: criteria provided, multiple submitters, no conflicts (2 of 4 stars). 2 submissions from 2 submitters: Uncertain significance (2). Last evaluated 2024-05-12.

Conditions:
Inborn genetic diseases. Identifiers: MedGen C0950123, MeSH D030342.
Brody myopathy. Also called: BRODY DISEASE. Identifiers: Orphanet 53347, MedGen C1832918, MONDO:0010977, OMIM 601003.

Allele frequency attached by ClinVar (database versions not stated): TOPMed below 0.00001; gnomAD 0.00001; gnomAD exomes 0.00003; ExAC 0.00005.
gnomAD v4.1: 19 of 1,614,066 alleles (0.0012%); highest among the groups gnomAD compares: East Asian, 0.0067%; no homozygotes.

Submissions (2):

Ambry Genetics
Classification: Uncertain significance for Inborn genetic diseases. Last evaluated: 2024-05-12. Review status: criteria provided, single submitter. Criteria: Ambry Variant Classification Scheme 2023. Collection method: clinical testing. Allele origin: germline.

Labcorp Genetics (formerly Invitae), Labcorp
Classification: Uncertain significance for Brody myopathy. Last evaluated: 2021-10-23. Review status: criteria provided, single submitter. Criteria: Invitae Variant Classification Sherloc (09022015). Collection method: clinical testing. Allele origin: germline.
Comment: In summary, the available evidence is currently insufficient to determine the role of this variant in disease. Therefore, it has been classified as a Variant of Uncertain Significance. Algorithms developed to predict the effect of missense changes on protein structure and function are either unavailable or do not agree on the potential impact of this missense change (SIFT: "Deleterious"; PolyPhen-2: "Benign"; Align-GVGD: "Class C0"). This variant has not been reported in the literature in individuals affected with ATP2A1-related conditions. This variant is present in population databases (rs748285172, ExAC 0.02%). This sequence change replaces valine with methionine at codon 151 of the ATP2A1 protein (p.Val151Met). The valine residue is moderately conserved and there is a small physicochemical difference between valine and methionine.